The following is an entry in ClinVar:

ClinVar aggregate classification (germline): Uncertain significance (1 of 4 stars; one submission).

Submission:

ISCA site 15
Classification: Uncertain significance. Last evaluated: 2011-08-12. Review status: criteria provided, single submitter. Criteria: Kaminsky et al. (Genet Med. 2011). Collection method: clinical testing. Allele origin: unknown. Affected: yes. Observed: 1 variant allele.
Comment: Copy number variation identified through the course of routine clinical cytogenomic testing in postnatal populations. Clinical assertions have been curated as described in Kaminsky et al. 2011.

GRCh38/hg38 1q43(chr1:239631841-242609012)x3

Genes: BECN2 (beclin 2; plus strand), CHML (CHM like Rab escort protein; minus strand), CHRM3 (cholinergic receptor muscarinic 3; plus strand), CHRM3-AS1 (CHRM3 antisense RNA 1; minus strand), CHRM3-AS2 (CHRM3 antisense RNA 2; minus strand) and 32 more. Cytogenetic location: 1q43.
Variant type: copy number gain.
Change: copy number 3 (three copies instead of two) of chr1:239,631,841-242,609,012 (2.98 Mb, GRCh38 coordinates, 1-based), cytogenetic band 1q43.
Identifiers: ClinVar variation 57847 (VCV000057847.1).